The following is an entry in ClinVar:

ClinVar aggregate classification (germline): Likely pathogenic (1 of 4 stars; one submission).

Conditions:
Zellweger spectrum disorders (ZS). Also called: Zellweger Spectrum Disorder (ZSD); Zellweger syndrome; Zellweger Spectrum Disorder; Zellweger Spectrum. Identifiers: Orphanet 912, MedGen C0043459, MONDO:0019609.

Submission:

Natera, Inc.
Classification: Likely pathogenic for Zellweger syndrome. Last evaluated: 2025-11-10. Review status: criteria provided, single submitter. Criteria: Natera Variant Classification Schema (03/2026). Collection method: clinical testing. Allele origin: germline.
Comment: The c.849del variant in PEX2 is a frameshift variant predicted to shift the reading frame beginning at codon 283 and leads to a stop codon 11 codons downstream. This variant is expected to result in nonsense mediated decay, truncation, or a dysfunctional protein product. This variant is rare in the general population with a frequency below the threshold expected for the associated phenotype(s). Given the available evidence, this variant is classified as Likely Pathogenic.

NM_000318.3(PEX2):c.849del (p.Cys283fs)

Gene: PEX2 (peroxisomal biogenesis factor 2; minus strand). Cytogenetic location: 8q21.13.
Variant type: Deletion.
Coding change: c.849del on transcript NM_000318.3 (MANE Select); coding-DNA position 849, one base deleted (T; older notation c.849delT).
Protein change: p.Cys283fs; shifts the reading frame from cysteine 283.
Molecular consequence: frameshift variant.
Genome position (GRCh38, 1-based): chr8:76,983,330, A deleted on the plus strand (T on the coding strand, the reverse complement: PEX2 is on the minus strand). VCF-style (leftmost placement, unchanged base first): chr8-76983329-CA-C. GRCh37 (hg19) VCF-style: chr8-77895565-CA-C.
Other names: c.849del, p.Cys283fs (NM_001079867.2, NM_001172086.2, NM_001172087.2); short protein forms C283fs.
Identifiers: ClinVar variation 4818163 (VCV004818163.1).